The following is an entry in ClinVar:

NM_013275.6(ANKRD11):c.4516G>A (p.Asp1506Asn)

Gene: ANKRD11 (ankyrin repeat domain containing 11; minus strand). Cytogenetic location: 16q24.3.
Variant type: single nucleotide variant.
Coding change: c.4516G>A on transcript NM_013275.6 (MANE Select); coding-DNA position 4516, G replaced by A.
Protein change: p.Asp1506Asn; replaces aspartic acid 1506 with asparagine.
Molecular consequence: missense variant.
Genome position (GRCh38, 1-based): chr16:89,282,026, C>T on the plus strand (G>A on the coding strand, the complement: ANKRD11 is on the minus strand). VCF-style: chr16-89282026-C-T. GRCh37 (hg19) VCF-style: chr16-89348434-C-T.
Other names: c.4516G>A, p.Asp1506Asn (NM_001256182.2, NM_001256183.2); short protein forms D1506N.
Identifiers: ClinVar variation 1313826 (VCV001313826.2), dbSNP rs1373098566, ClinGen allele CA397157409.

ClinVar aggregate classification (germline): Uncertain significance (1 of 4 stars; one submission).

gnomAD v4.1: 1 of 1,613,592 alleles (0.000062%); highest among the groups gnomAD compares: South Asian, 0.0011%; no homozygotes.

Submission:

GeneDx
Classification: Uncertain significance. Last evaluated: 2021-07-12. Review status: criteria provided, single submitter. Criteria: GeneDx Variant Classification Process June 2021. Collection method: clinical testing. Allele origin: germline. Affected: yes.
Comment: Not observed at significant frequency in large population cohorts (Lek et al., 2016); In silico analysis supports that this missense variant does not alter protein structure/function; Has not been previously published as pathogenic or benign to our knowledge; This variant is associated with the following publications: (PMID: 27535533)